The following is an entry in ClinVar:

ClinVar aggregate classification (germline): Uncertain significance. Review status: criteria provided, multiple submitters, no conflicts (2 of 4 stars). 2 submissions from 2 submitters: Uncertain significance (2). Last evaluated 2021-10-13.

Conditions:
Cardiomyopathy (CMYO). Also called: Cardiomyopathies. Identifiers: Orphanet 167848, MedGen C0878544, MONDO:0004994, HP:0001638. Inheritance: Various modes of inheritance.

Allele frequency attached by ClinVar (database versions not stated): gnomAD 0.00001 and 0.00002; gnomAD exomes 0.00002; TOPMed 0.00002; ExAC 0.00003.
gnomAD v4.1: 29 of 1,607,668 alleles (0.0018%); highest among the groups gnomAD compares: Non-Finnish European, 0.0017%; no homozygotes.

Submissions (2):

CHEO Genetics Diagnostic Laboratory, Children's Hospital of Eastern Ontario
Classification: Uncertain significance for Cardiomyopathy. Last evaluated: 2021-10-13. Review status: criteria provided, single submitter. Criteria: ACMG Guidelines, 2015. Collection method: clinical testing. Allele origin: germline.

Laboratory for Molecular Medicine, Mass General Brigham Personalized Medicine
Classification: Uncertain significance. Last evaluated: 2014-02-06. Review status: criteria provided, single submitter. Criteria: LMM Criteria. Collection method: clinical testing. Allele origin: germline. Observed: 1 variant allele.
Comment: The Ile26244Thr variant in TTN has not been previously reported in individuals w ith cardiomyopathy or in large population studies. Computational analyses (bioch emical amino acid properties, conservation, AlignGVGD, PolyPhen2, and SIFT) do n ot provide strong support for or against an impact to the protein. Additional in formation is needed to fully assess the clinical significance of the variant.

NM_001267550.2(TTN):c.86435T>C (p.Ile28812Thr)

Genes: TTN (titin; minus strand), TTN-AS1 (TTN antisense RNA 1; plus strand). Cytogenetic location: 2q31.2.
Variant type: single nucleotide variant.
Coding change: c.86435T>C on transcript NM_001267550.2 (MANE Select); coding-DNA position 86435, T replaced by C.
Protein change: p.Ile28812Thr; replaces isoleucine 28812 with threonine.
Molecular consequence: missense variant.
Genome position (GRCh38, 1-based): chr2:178,559,697, A>G on the plus strand (T>C on the coding strand, the complement: TTN is on the minus strand). VCF-style: chr2-178559697-A-G. GRCh37 (hg19) VCF-style: chr2-179424424-A-G.
Other names: c.78731T>C, p.Ile26244Thr (NM_133378.4); c.81512T>C, p.Ile27171Thr (NM_001256850.1); c.59240T>C, p.Ile19747Thr (NM_003319.4); c.59615T>C, p.Ile19872Thr (NM_133432.3); c.59816T>C, p.Ile19939Thr (NM_133437.4); short protein forms I26244T, I28812T, I19747T, I27171T, I19872T, I19939T.
Identifiers: ClinVar variation 179572 (VCV000179572.7), dbSNP rs727504959, ClinGen allele CA184686.